The following is an entry in ClinVar:

NM_024422.6(DSC2):c.570A>G (p.Arg190=)

Gene: DSC2 (desmocollin 2; minus strand). Cytogenetic location: 18q12.1.
Variant type: single nucleotide variant.
Coding change: c.570A>G on transcript NM_024422.6 (MANE Select); coding-DNA position 570, A replaced by G.
Protein change: p.Arg190=; no amino-acid change (arginine 190 retained).
Molecular consequence: synonymous variant.
Genome position (GRCh38, 1-based): chr18:31,089,499, T>C on the plus strand (A>G on the coding strand, the complement: DSC2 is on the minus strand). VCF-style: chr18-31089499-T-C. GRCh37 (hg19) VCF-style: chr18-28669462-T-C.
Other names: c.141A>G, p.Arg47= (NM_001406506.1, NM_001406507.1); c.570A>G, p.Arg190= (NM_004949.5).
Identifiers: ClinVar variation 1749197 (VCV001749197.3), dbSNP rs1460748481, ClinGen allele CA503390251.

ClinVar aggregate classification (germline): Likely benign. Review status: criteria provided, multiple submitters, no conflicts (2 of 4 stars). 2 submissions from 2 submitters: Likely benign (2). Last evaluated 2024-07-20.

Conditions:
Cardiovascular phenotype. Identifiers: MedGen CN230736.
Familial isolated arrhythmogenic right ventricular dysplasia. Identifiers: Orphanet 217656, MedGen C4274968, MONDO:0016342.

Allele frequency attached by ClinVar (database versions not stated): gnomAD exomes below 0.00001; TOPMed below 0.00001; gnomAD 0.00001.
gnomAD v4.1: 3 of 1,613,908 alleles (0.00019%); highest among the groups gnomAD compares: Non-Finnish European, 0.00025%; no homozygotes.

Submissions (2):

All of Us Research Program, National Institutes of Health
Classification: Likely benign for Familial isolated arrhythmogenic right ventricular dysplasia. Last evaluated: 2024-07-20. Review status: criteria provided, single submitter. Criteria: ACMG Guidelines, 2015. Collection method: clinical testing. Allele origin: germline. Inheritance: Autosomal dominant inheritance. Observed: 1 variant allele, 1 heterozygote.
Comment: This study involves interpretation of variants in research participants for the purpose of population health screening. Participant phenotype was not available at the time of variant classification. Additional details can be found in publication PMID: 35346344, PMCID: PMC8962531

Ambry Genetics
Classification: Likely benign for Cardiovascular phenotype. Last evaluated: 2021-06-07. Review status: criteria provided, single submitter. Criteria: Ambry Variant Classification Scheme 2023. Collection method: clinical testing. Allele origin: germline.